The following is an entry in ClinVar:

ClinVar aggregate classification (germline): Conflicting classifications of pathogenicity. Review status: criteria provided, conflicting classifications (1 of 4 stars). 2 submissions from 2 submitters: Uncertain significance (1); Benign (1). Last evaluated 2025-08-04.

Conditions:
Hereditary cancer-predisposing syndrome. Also called: Hereditary Cancer Syndrome; Neoplastic Syndromes, Hereditary; Hereditary neoplastic syndrome; Tumor predisposition. Identifiers: Orphanet 140162, MedGen C0027672, MeSH D009386, MONDO:0015356.
Gorlin syndrome. Also called: Nevoid Basal Cell Carcinoma Syndrome; Basal cell nevus syndrome. Identifiers: Orphanet 377, MedGen C0004779, MONDO:0007187.

Allele frequency attached by ClinVar (database versions not stated): gnomAD exomes 0.00001; ExAC 0.00002.
gnomAD v4.1: 14 of 1,614,066 alleles (0.00087%); highest among the groups gnomAD compares: Non-Finnish European, 0.00085%; no homozygotes.

Submissions (2):

Labcorp Genetics (formerly Invitae), Labcorp
Classification: Benign for Gorlin syndrome. Last evaluated: 2025-08-04. Review status: criteria provided, single submitter. Criteria: Invitae Variant Classification Sherloc (09022015). Collection method: clinical testing. Allele origin: germline.

Ambry Genetics
Classification: Uncertain significance for Hereditary cancer-predisposing syndrome. Last evaluated: 2024-03-07. Review status: criteria provided, single submitter. Criteria: Ambry Variant Classification Scheme 2023. Collection method: clinical testing. Allele origin: germline.
Comment: The p.M367V variant (also known as c.1099A>G), located in coding exon 8 of the PTCH1 gene, results from an A to G substitution at nucleotide position 1099. The methionine at codon 367 is replaced by valine, an amino acid with highly similar properties. This amino acid position is highly conserved in available vertebrate species. In addition, this alteration is predicted to be deleterious by in silico analysis. Since supporting evidence is limited at this time, the clinical significance of this alteration remains unclear.

NM_000264.5(PTCH1):c.1099A>G (p.Met367Val)

Gene: PTCH1 (patched 1; minus strand). Cytogenetic location: 9q22.32.
Variant type: single nucleotide variant.
Coding change: c.1099A>G on transcript NM_000264.5 (MANE Select); coding-DNA position 1099, A replaced by G.
Protein change: p.Met367Val; replaces methionine 367 with valine.
Molecular consequence: missense variant. On other transcripts: non-coding transcript variant (1).
Genome position (GRCh38, 1-based): chr9:95,479,116, T>C on the plus strand (A>G on the coding strand, the complement: PTCH1 is on the minus strand). VCF-style: chr9-95479116-T-C. GRCh37 (hg19) VCF-style: chr9-98241398-T-C.
Other names: c.901A>G, p.Met301Val (NM_001083602.3); c.1096A>G, p.Met366Val (NM_001083603.3); c.646A>G, p.Met216Val (NM_001083604.3, NM_001083605.3, NM_001083606.3 and 1 more transcripts); c.1099A>G, p.Met367Val (NM_001354918.2); short protein forms M301V, M216V, M366V, M367V.
Identifiers: ClinVar variation 822163 (VCV000822163.13), dbSNP rs753152792, ClinGen allele CA5138759.